The following is an entry in ClinVar:

NM_006922.4(SCN3A):c.626T>C (p.Leu209Pro)

Gene: SCN3A (sodium voltage-gated channel alpha subunit 3; minus strand). Cytogenetic location: 2q24.3.
Variant type: single nucleotide variant.
Coding change: c.626T>C on transcript NM_006922.4 (MANE Select); coding-DNA position 626, T replaced by C.
Protein change: p.Leu209Pro; replaces leucine 209 with proline.
Molecular consequence: missense variant. On other transcripts: intron variant (1).
Genome position (GRCh38, 1-based): chr2:165,163,686, A>G on the plus strand (T>C on the coding strand, the complement: SCN3A is on the minus strand). VCF-style: chr2-165163686-A-G. GRCh37 (hg19) VCF-style: chr2-166020196-A-G.
Other names: c.626T>C, p.Leu209Pro (NM_001081676.2); c.694+116T>C (NM_001081677.2); short protein forms L209P.
Identifiers: ClinVar variation 431726 (VCV000431726.10), dbSNP rs1553537132, ClinGen allele CA349239608.
Genomic context (GRCh38, chr2:165,163,686, plus strand): 5'-ACTGAAATTGTTTTCAGTGCTCGGAGAACTCTGAATGTTCTCAACGCTGAGACATTGCCC[A>G]GGTCCACAAACTCTGTCACATATCTGTAATAGGGGAGTTCACACACAAACACAATAACAC-3'
Protein context (NP_008853.3, residues 199-219): VMAYVTEFVD[Leu209Pro]GNVSALRTFR

ClinVar aggregate classification (germline): Likely pathogenic. Review status: criteria provided, multiple submitters, no conflicts (2 of 4 stars). 3 submissions from 3 submitters: Likely pathogenic (3). Last evaluated 2022-08-16.

Conditions:
atypical cerebral palsy.
Developmental and epileptic encephalopathy, 62. Also called: Early infantile epileptic encephalopathy 62. Identifiers: MedGen C4693699, MONDO:0033371, OMIM 617938.

Submissions (3):

Labcorp Genetics (formerly Invitae), Labcorp
Classification: Likely pathogenic. Last evaluated: 2022-08-16. Review status: criteria provided, single submitter. Criteria: Invitae Variant Classification Sherloc (09022015). Collection method: clinical testing. Allele origin: germline.
Comment: This sequence change replaces leucine, which is neutral and non-polar, with proline, which is neutral and non-polar, at codon 209 of the SCN3A protein (p.Leu209Pro). In summary, the currently available evidence indicates that the variant is pathogenic, but additional data are needed to prove that conclusively. Therefore, this variant has been classified as Likely Pathogenic. Algorithms developed to predict the effect of missense changes on protein structure and function (SIFT, PolyPhen-2, Align-GVGD) all suggest that this variant is likely to be disruptive. ClinVar contains an entry for this variant (Variation ID: 431726). This missense change has been observed in individual(s) with clinical features of SCN3A-related conditions (PMID: 30542205; Invitae). In at least one individual the variant was observed to be de novo. This variant is not present in population databases (gnomAD no frequency).

3billion
Classification: Likely pathogenic for Developmental and epileptic encephalopathy, 62. Last evaluated: 2022-05-22. Review status: criteria provided, single submitter. Criteria: ACMG Guidelines, 2015. Collection method: clinical testing. Allele origin: germline. Affected: yes. Observed: 1 heterozygote.
Comment: The variant is not observed in the gnomAD v2.1.1 dataset. Missense changes are a common disease-causing mechanism. In silico tool predictions suggest damaging effect of the variant on gene or gene product (REVEL: 0.97; 3Cnet: 0.94). Same nucleotide change resulting in same amino acid change has been previously reported to be associated with SCN3A related disorder (ClinVar ID: VCV000431726 / PMID: 30542205). The variant has been previously reported as de novo in a similarly affected individual (PMID: 30542205). Therefore, this variant is classified as likely pathogenic according to the recommendation of ACMG/AMP guideline.

TIDEX, University of British Columbia
Classification: Likely pathogenic for atypical cerebral palsy. Review status: criteria provided, single submitter. Criteria: ACMG Guidelines, 2015. Collection method: research. Allele origin: de novo. Inheritance: Autosomal dominant inheritance. Affected: yes.

Literature cited by the submitters: PubMed 30542205 (cited by Labcorp Genetics (formerly Invitae), Labcorp and 3billion).